The following is an entry in ClinVar:

NM_014946.4(SPAST):c.1593A>G (p.Gln531=)

Gene: SPAST (spastin; plus strand). Cytogenetic location: 2p22.3.
Variant type: single nucleotide variant.
Coding change: c.1593A>G on transcript NM_014946.4 (MANE Select); coding-DNA position 1593, A replaced by G.
Protein change: p.Gln531=; no amino-acid change (glutamine 531 retained).
Molecular consequence: synonymous variant.
Genome position (GRCh38, 1-based): chr2:32,143,392, A>G. VCF-style: chr2-32143392-A-G. GRCh37 (hg19) VCF-style: chr2-32368461-A-G.
Other names: c.1590A>G, p.Gln530= (NM_001363823.2); c.1494A>G, p.Gln498= (NM_001363875.2); c.1497A>G, p.Gln499= (NM_001377959.1, NM_199436.2).
Identifiers: ClinVar variation 240951 (VCV000240951.13), dbSNP rs754291673, ClinGen allele CA1600948.

ClinVar aggregate classification (germline): Benign/Likely benign. Review status: criteria provided, multiple submitters, no conflicts (2 of 4 stars). 2 submissions from 2 submitters: Benign (1); Likely benign (1). Last evaluated 2025-11-10.

Conditions:
Hereditary spastic paraplegia 4. Also called: Spastic paraplegia 4, autosomal dominant; Spastic Paraplegia 4; Familial spastic paraplegia autosomal dominant 2. Identifiers: Orphanet 100985, MedGen C1866855, MONDO:0008438, OMIM 182601.

Allele frequency attached by ClinVar (database versions not stated): gnomAD exomes 0.00005 and 0.00023; TOPMed 0.00006; ExAC 0.00014.
gnomAD v4.1: 74 of 1,609,066 alleles (0.0046%); highest among the groups gnomAD compares: Admixed American, 0.12%; 2 homozygotes.

Submissions (2):

Labcorp Genetics (formerly Invitae), Labcorp
Classification: Benign for Hereditary spastic paraplegia 4. Last evaluated: 2025-11-10. Review status: criteria provided, single submitter. Criteria: Invitae Variant Classification Sherloc (09022015). Collection method: clinical testing. Allele origin: germline.

Illumina Laboratory Services, Illumina
Classification: Likely benign for Hereditary spastic paraplegia 4. Last evaluated: 2018-01-12. Review status: criteria provided, single submitter. Criteria: ICSL Variant Classification Criteria 13 December 2019. Collection method: clinical testing. Allele origin: germline.
Comment: This variant was observed in the ICSL laboratory as part of a predisposition screen in an ostensibly healthy population. It had not been previously curated by ICSL or reported in the Human Gene Mutation Database (HGMD: prior to June 1st, 2018), and was therefore a candidate for classification through an automated scoring system. Utilizing variant allele frequency, disease prevalence and penetrance estimates, and inheritance mode, an automated score was calculated to assess if this variant is too frequent to cause the disease. Based on the score and internal cut-off values, a variant classified as likely benign is not then subjected to further curation. The score for this variant resulted in a classification of likely benign for this disease.